The following is an entry in ClinVar:

ClinVar aggregate classification (germline): Likely benign (0 of 4 stars; one submission).

Conditions:
ATRX-related disorder. Also called: ATRX-related condition.

Allele frequency attached by ClinVar (database versions not stated): gnomAD 0.00001; TOPMed 0.00001.
gnomAD v4.1: 14 of 1,203,567 alleles (0.0012%); highest among the groups gnomAD compares: Non-Finnish European, 0.0015%; no homozygotes.

Submission:

PreventionGenetics, part of Exact Sciences
Classification: Likely benign for ATRX-related condition. Last evaluated: 2019-04-26. Review status: no assertion criteria provided. Collection method: clinical testing. Allele origin: germline.
Comment: This variant is classified as likely benign based on ACMG/AMP sequence variant interpretation guidelines (Richards et al. 2015 PMID: 25741868, with internal and published modifications).

NM_000489.6(ATRX):c.370+4A>G

Gene: ATRX (ATRX chromatin remodeler; minus strand). Cytogenetic location: Xq21.1.
Variant type: single nucleotide variant.
Coding change: c.370+4A>G on transcript NM_000489.6 (MANE Select); 4 bases into the intron after coding-DNA position 370, A replaced by G.
Molecular consequence: intron variant.
Genome position (GRCh38, 1-based): chrX:77,696,573, T>C on the plus strand (A>G on the coding strand, the complement: ATRX is on the minus strand). VCF-style: chrX-77696573-T-C. GRCh37 (hg19) VCF-style: chrX-76952061-T-C.
Other names: c.370+4A>G (NM_138270.5).
Identifiers: ClinVar variation 3043099 (VCV003043099.2), dbSNP rs1031522109, ClinGen allele CA331569609.
Genomic context (GRCh38, chrX:77,696,573, plus strand): 5'-TTATAAAAATGATGTTTAAAAATTCATTTCAACTTTAACTTCATGAAAAATTAACACACA[T>C]TACCTTTTGGCAAGCTCTGCATAGTAATATCATTTTCTGAATTTTCATTAGACGCATCTT-3'